The following is an entry in ClinVar:

ClinVar aggregate classification (germline): Uncertain significance (1 of 4 stars; one submission).

Submission:

GeneDx
Classification: Uncertain significance. Last evaluated: 2025-02-21. Review status: criteria provided, single submitter. Criteria: GeneDx Variant Classification Process June 2021. Collection method: clinical testing. Allele origin: germline. Affected: yes.
Comment: Not observed at significant frequency in large population cohorts (gnomAD); In silico analysis indicates that this missense variant does not alter protein structure/function; Has not been previously published as pathogenic or benign to our knowledge; In silico analysis suggests this variant may impact gene splicing. In the absence of RNA/functional studies, the actual effect of this sequence change is unknown.

NM_002576.5(PAK1):c.670C>G (p.Pro224Ala)

Gene: PAK1 (p21 (RAC1) activated kinase 1; minus strand). Cytogenetic location: 11q13.5.
Variant type: single nucleotide variant.
Coding change: c.670C>G on transcript NM_002576.5 (MANE Select); coding-DNA position 670, C replaced by G.
Protein change: p.Pro224Ala; replaces proline 224 with alanine.
Molecular consequence: missense variant. On other transcripts: non-coding transcript variant (2), intron variant (1).
Genome position (GRCh38, 1-based): chr11:77,355,770, G>C on the plus strand (C>G on the coding strand, the complement: PAK1 is on the minus strand). VCF-style: chr11-77355770-G-C. GRCh37 (hg19) VCF-style: chr11-77066815-G-C.
Other names: c.670C>G, p.Pro224Ala (NM_001128620.2, NM_001376268.1, NM_001376269.1 and 25 more transcripts); c.691C>G, p.Pro231Ala (NM_001376272.1); c.421C>G, p.Pro141Ala (NM_001376301.1); c.376C>G, p.Pro126Ala (NM_001376302.1, NM_001376304.1, NM_001376305.1); c.597+3128C>G (NM_001376303.1); short protein forms P126A, P141A, P224A, P231A.
Identifiers: ClinVar variation 4076919 (VCV004076919.1).